The following is an entry in ClinVar:

ClinVar aggregate classification (germline): Uncertain significance. Review status: criteria provided, multiple submitters, no conflicts (2 of 4 stars). 2 submissions from 2 submitters: Uncertain significance (2). Last evaluated 2024-09-04.

Conditions:
Inborn genetic diseases. Identifiers: MedGen C0950123, MeSH D030342.
Methylcobalamin deficiency type cblG (HMAG). Also called: HOMOCYSTINURIA-MEGALOBLASTIC ANEMIA, cblG COMPLEMENTATION TYPE; HOMOCYSTINURIA-MEGALOBLASTIC ANEMIA, cblG TYPE; HOMOCYSTINURIA-MEGALOBLASTIC ANEMIA DUE TO DEFECT IN COBALAMIN METABOLISM, cblG COMPLEMENTATION TYPE; Functional methionine synthase deficiency type cblG. Identifiers: Orphanet 2170, Orphanet 622, MedGen C1855128, MONDO:0009609, OMIM 250940.

Allele frequency attached by ClinVar (database versions not stated): gnomAD exomes below 0.00001 and 0.00004; ExAC 0.00001; gnomAD 0.00001; TOPMed 0.00005.
gnomAD v4.1: 57 of 1,613,574 alleles (0.0035%); highest among the groups gnomAD compares: Non-Finnish European, 0.0047%; no homozygotes.

Submissions (2):

Ambry Genetics
Classification: Uncertain significance for Inborn genetic diseases. Last evaluated: 2024-09-04. Review status: criteria provided, single submitter. Criteria: Ambry Variant Classification Scheme 2023. Collection method: clinical testing. Allele origin: germline.

Labcorp Genetics (formerly Invitae), Labcorp
Classification: Uncertain significance for Methylcobalamin deficiency type cblG. Last evaluated: 2021-08-28. Review status: criteria provided, single submitter. Criteria: Invitae Variant Classification Sherloc (09022015). Collection method: clinical testing. Allele origin: germline.
Comment: This sequence change replaces glycine with serine at codon 109 of the MTR protein (p.Gly109Ser). The glycine residue is highly conserved and there is a small physicochemical difference between glycine and serine. This variant is present in population databases (rs746836137, ExAC 0.001%). This variant has not been reported in the literature in individuals affected with MTR-related conditions. Algorithms developed to predict the effect of missense changes on protein structure and function (SIFT, PolyPhen-2, Align-GVGD) all suggest that this variant is likely to be tolerated. In summary, the available evidence is currently insufficient to determine the role of this variant in disease. Therefore, it has been classified as a Variant of Uncertain Significance.

NM_000254.3(MTR):c.325G>A (p.Gly109Ser)

Gene: MTR (5-methyltetrahydrofolate-homocysteine methyltransferase; plus strand). Cytogenetic location: 1q43.
Variant type: single nucleotide variant.
Coding change: c.325G>A on transcript NM_000254.3 (MANE Select); coding-DNA position 325, G replaced by A.
Protein change: p.Gly109Ser; replaces glycine 109 with serine.
Molecular consequence: missense variant. On other transcripts: 5 prime UTR variant (1).
Genome position (GRCh38, 1-based): chr1:236,806,219, G>A. VCF-style: chr1-236806219-G-A. GRCh37 (hg19) VCF-style: chr1-236969519-G-A.
Other names: c.325G>A, p.Gly109Ser (NM_001291939.1); c.-784G>A (NM_001291940.2); c.325G>A (NM_000254.2); short protein forms G109S.
Identifiers: ClinVar variation 1355744 (VCV001355744.4), dbSNP rs746836137, ClinGen allele CA1473684.